The following is an entry in ClinVar:

ClinVar aggregate classification (germline): Uncertain significance (1 of 4 stars; one submission).

Allele frequency attached by ClinVar (database versions not stated): gnomAD exomes below 0.00001.
gnomAD v4.1: 1 of 1,613,588 alleles (0.000062%); highest among the groups gnomAD compares: Admixed American, 0.0017%; no homozygotes.

Submission:

Labcorp Genetics (formerly Invitae), Labcorp
Classification: Uncertain significance. Last evaluated: 2022-11-08. Review status: criteria provided, single submitter. Criteria: Invitae Variant Classification Sherloc (09022015). Collection method: clinical testing. Allele origin: germline.
Comment: In summary, the available evidence is currently insufficient to determine the role of this variant in disease. Therefore, it has been classified as a Variant of Uncertain Significance. Algorithms developed to predict the effect of missense changes on protein structure and function (SIFT, PolyPhen-2, Align-GVGD) all suggest that this variant is likely to be disruptive. This variant has not been reported in the literature in individuals affected with TNNI3K-related conditions. This variant is present in population databases (no rsID available, gnomAD 0.003%). This sequence change replaces serine, which is neutral and polar, with arginine, which is basic and polar, at codon 650 of the TNNI3K protein (p.Ser650Arg).

NM_015978.3(TNNI3K):c.1948A>C (p.Ser650Arg)

Genes: FPGT-TNNI3K (FPGT-TNNI3K readthrough; plus strand), TNNI3K (TNNI3 interacting kinase; plus strand). Cytogenetic location: 1p31.1.
Variant type: single nucleotide variant.
Coding change: c.1948A>C on transcript NM_015978.3 (MANE Select); coding-DNA position 1948, A replaced by C.
Protein change: p.Ser650Arg; replaces serine 650 with arginine.
Molecular consequence: missense variant.
Genome position (GRCh38, 1-based): chr1:74,439,559, A>C. VCF-style: chr1-74439559-A-C. GRCh37 (hg19) VCF-style: chr1-74905243-A-C.
Other names: c.2251A>C, p.Ser751Arg (NM_001112808.3, NM_001199327.2); short protein forms S650R, S751R.
Identifiers: ClinVar variation 2812758 (VCV002812758.3), dbSNP rs1335213370, ClinGen allele CA340789842.
Genomic context (GRCh38, chr1:74,439,559, plus strand): 5'-TGGATGGCTCCTGAGGTGTTCACGCAGTGCACTCGGTACACCATCAAAGCAGATGTCTTC[A>C]GCTATGCTCTGTGTCTGTGGGAAATTCTCACTGGCGAAATTCCATTCGCTCATCTCAAGC-3'
Protein context (NP_057062.1, residues 640-660): TRYTIKADVF[Ser650Arg]YALCLWEILT